The following is an entry in ClinVar:

ClinVar aggregate classification (germline): Uncertain significance (1 of 4 stars; one submission).

Allele frequency attached by ClinVar (database versions not stated): gnomAD exomes 0.00002 and 0.00003; ExAC 0.00006; gnomAD 0.00008 and 0.00011; TOPMed 0.00011; ESP Exome Variant Server 0.00023.

Submission:

Labcorp Genetics (formerly Invitae), Labcorp
Classification: Uncertain significance. Last evaluated: 2024-07-11. Review status: criteria provided, single submitter. Criteria: Invitae Variant Classification Sherloc (09022015). Collection method: clinical testing. Allele origin: germline.
Comment: This sequence change replaces methionine, which is neutral and non-polar, with isoleucine, which is neutral and non-polar, at codon 167 of the CLUAP1 protein (p.Met167Ile). This variant is present in population databases (rs147706559, gnomAD 0.04%). This variant has not been reported in the literature in individuals affected with CLUAP1-related conditions. ClinVar contains an entry for this variant (Variation ID: 1487393). Advanced modeling of protein sequence and biophysical properties (such as structural, functional, and spatial information, amino acid conservation, physicochemical variation, residue mobility, and thermodynamic stability) performed at Invitae indicates that this missense variant is not expected to disrupt CLUAP1 protein function with a negative predictive value of 80%. In summary, the available evidence is currently insufficient to determine the role of this variant in disease. Therefore, it has been classified as a Variant of Uncertain Significance.

NM_015041.3(CLUAP1):c.501G>C (p.Met167Ile)

Gene: CLUAP1 (clusterin associated protein 1; plus strand). Cytogenetic location: 16p13.3.
Variant type: single nucleotide variant.
Coding change: c.501G>C on transcript NM_015041.3 (MANE Select); coding-DNA position 501, G replaced by C.
Protein change: p.Met167Ile; replaces methionine 167 with isoleucine.
Molecular consequence: missense variant. On other transcripts: initiator codon variant (1).
Genome position (GRCh38, 1-based): chr16:3,515,513, G>C. VCF-style: chr16-3515513-G-C. GRCh37 (hg19) VCF-style: chr16-3565513-G-C.
Other names: c.501G>C, p.Met167Ile (NM_001330454.2); c.3G>C, p.Met1Ile (NM_024793.3); short protein forms M167I, M1I.
Identifiers: ClinVar variation 1487393 (VCV001487393.9), dbSNP rs147706559, ClinGen allele CA7863763.
Genomic context (GRCh38, chr16:3,515,513, plus strand): 5'-GGTTTTGAGAACTCCTTTTCTGAAAATATACGTAAATGATTTTACTGTTTCCTAGGAAAT[G>C]AGAACAGAAGCCATTGCCAGACCTCTGGAAATAAACGAGACTGAAAAAGTGATGAGAATT-3'
Protein context (NP_055856.1, residues 157-177): LLGMEVELRE[Met167Ile]RTEAIARPLE